The following is an entry in ClinVar:

ClinVar aggregate classification (germline): Uncertain significance (1 of 4 stars; one submission).

Conditions:
Hereditary cancer-predisposing syndrome. Also called: Neoplastic Syndromes, Hereditary; Tumor predisposition; Hereditary Cancer Syndrome; Hereditary neoplastic syndrome. Identifiers: Orphanet 140162, MedGen C0027672, MeSH D009386, MONDO:0015356.
Cardiovascular phenotype. Identifiers: MedGen CN230736.

Allele frequency attached by ClinVar (database versions not stated): gnomAD exomes below 0.00001.
gnomAD v4.1: 2 of 1,614,174 alleles (0.00012%); highest among the groups gnomAD compares: Non-Finnish European, 0.00017%; no homozygotes.

Submission:

Ambry Genetics
Classification: Uncertain significance for Cardiovascular phenotype; Hereditary cancer-predisposing syndrome. Last evaluated: 2022-06-04. Review status: criteria provided, single submitter. Criteria: Ambry Variant Classification Scheme 2023. Collection method: clinical testing. Allele origin: germline.
Comment: The p.P117S variant (also known as c.349C>T), located in coding exon 4 of the LZTR1 gene, results from a C to T substitution at nucleotide position 349. The proline at codon 117 is replaced by serine, an amino acid with similar properties. This amino acid position is conserved. In addition, the in silico prediction for this alteration is inconclusive. Since supporting evidence is limited at this time, the clinical significance of this alteration remains unclear.

NM_006767.4(LZTR1):c.349C>T (p.Pro117Ser)

Gene: LZTR1 (leucine zipper like post translational regulator 1; plus strand). Cytogenetic location: 22q11.21.
Variant type: single nucleotide variant.
Coding change: c.349C>T on transcript NM_006767.4 (MANE Select); coding-DNA position 349, C replaced by T.
Protein change: p.Pro117Ser; replaces proline 117 with serine.
Molecular consequence: missense variant.
Genome position (GRCh38, 1-based): chr22:20,987,532, C>T. VCF-style: chr22-20987532-C-T. GRCh37 (hg19) VCF-style: chr22-21341821-C-T.
Other names: short protein forms P117S.
Identifiers: ClinVar variation 1732019 (VCV001732019.2), dbSNP rs2518612472, ClinGen allele CA410779310.